The following is an entry in ClinVar:

ClinVar aggregate classification (germline): Conflicting classifications of pathogenicity. Review status: criteria provided, conflicting classifications (1 of 4 stars). 3 submissions from 3 submitters: Likely pathogenic (1); Uncertain significance (1). 1 of the submissions does not count toward it. Last evaluated 2024-07-01.

Conditions:
PKD1-related disorder. Also called: PKD1-related condition.

Submissions (3):

GeneDx
Classification: Uncertain significance. Last evaluated: 2024-07-01. Review status: criteria provided, single submitter. Criteria: GeneDx Variant Classification Process June 2021. Collection method: clinical testing. Allele origin: germline. Affected: yes.
Comment: Not observed at significant frequency in large population cohorts (gnomAD); In silico analysis supports that this missense variant has a deleterious effect on protein structure/function; This variant is associated with the following publications: (PMID: 17574468)

Blueprint Genetics
Classification: Likely pathogenic for PKD1-related disorders. Last evaluated: 2019-12-20. Review status: criteria provided, single submitter. Criteria: ACMG Guidelines, 2015. Collection method: clinical testing. Allele origin: germline. Affected: yes. Observed: 1 variant allele.

PreventionGenetics, part of Exact Sciences
Classification: Uncertain significance for PKD1-related condition. Last evaluated: 2024-04-09. Review status: no assertion criteria provided. Collection method: clinical testing. Allele origin: germline. Not counted in ClinVar's aggregate classification.
Comment: The PKD1 c.7343T>C variant is predicted to result in the amino acid substitution p.Leu2448Pro. This variant was reported in an individual with autosomal dominant polycystic kidney disease (ADPKD) (Garcia-Gonzalez et al. 2007. PubMed ID: 17574468, Supplementary Table 4). This variant has not been reported in a large population database, indicating this variant is rare. Although we suspect that this variant may be pathogenic, at this time, the clinical significance of this variant is uncertain due to the absence of conclusive functional and genetic evidence.

NM_001009944.3(PKD1):c.7343T>C (p.Leu2448Pro)

Gene: PKD1 (polycystin 1, transient receptor potential channel interacting; minus strand). Cytogenetic location: 16p13.3.
Variant type: single nucleotide variant.
Coding change: c.7343T>C on transcript NM_001009944.3 (MANE Select); coding-DNA position 7343, T replaced by C.
Protein change: p.Leu2448Pro; replaces leucine 2448 with proline.
Molecular consequence: missense variant.
Genome position (GRCh38, 1-based): chr16:2,106,544, A>G on the plus strand (T>C on the coding strand, the complement: PKD1 is on the minus strand). VCF-style: chr16-2106544-A-G. GRCh37 (hg19) VCF-style: chr16-2156545-A-G.
Other names: c.7343T>C, p.Leu2448Pro (NM_000296.4); short protein forms L2448P.
Identifiers: ClinVar variation 3345965 (VCV003345965.3).